The following is an entry in ClinVar:

ClinVar aggregate classification (germline): Uncertain significance (1 of 4 stars; one submission).

Conditions:
Pyogenic arthritis-pyoderma gangrenosum-acne syndrome (PAPA). Also called: FAMILIAL RECURRENT ARTHRITIS; PAPA SYNDROME. Identifiers: Orphanet 69126, MedGen C1858361, MONDO:0011462, OMIM 604416.

Allele frequency attached by ClinVar (database versions not stated): TOPMed below 0.00001; gnomAD 0.00001; ExAC 0.00002; ESP Exome Variant Server 0.00008.
gnomAD v4.1: 4 of 1,601,524 alleles (0.00025%); highest among the groups gnomAD compares: Non-Finnish European, 0.00034%; no homozygotes.

Submission:

Labcorp Genetics (formerly Invitae), Labcorp
Classification: Uncertain significance for Pyogenic arthritis-pyoderma gangrenosum-acne syndrome. Last evaluated: 2026-01-14. Review status: criteria provided, single submitter. Criteria: Invitae Variant Classification Sherloc (09022015). Collection method: clinical testing. Allele origin: germline.
Comment: This sequence change replaces tyrosine, which is neutral and polar, with histidine, which is basic and polar, at codon 144 of the PSTPIP1 protein (p.Tyr144His). The frequency data for this variant in the population databases is considered unreliable, as metrics indicate poor data quality at this position in the gnomAD database. This variant has not been reported in the literature in individuals affected with PSTPIP1-related conditions. ClinVar contains an entry for this variant (Variation ID: 1939103). Invitae Evidence Modeling of protein sequence and biophysical properties (such as structural, functional, and spatial information, amino acid conservation, physicochemical variation, residue mobility, and thermodynamic stability) indicates that this missense variant is expected to disrupt PSTPIP1 protein function with a positive predictive value of 80%. In summary, the available evidence is currently insufficient to determine the role of this variant in disease. Therefore, it has been classified as a Variant of Uncertain Significance.

NM_003978.5(PSTPIP1):c.430T>C (p.Tyr144His)

Gene: PSTPIP1 (proline-serine-threonine phosphatase interacting protein 1; plus strand). Cytogenetic location: 15q24.3.
Variant type: single nucleotide variant.
Coding change: c.430T>C on transcript NM_003978.5 (MANE Select); coding-DNA position 430, T replaced by C.
Protein change: p.Tyr144His; replaces tyrosine 144 with histidine.
Molecular consequence: missense variant. On other transcripts: non-coding transcript variant (1).
Genome position (GRCh38, 1-based): chr15:77,028,566, T>C. VCF-style: chr15-77028566-T-C. GRCh37 (hg19) VCF-style: chr15-77320907-T-C.
Other names: c.430T>C, p.Tyr144His (NM_001321135.2, NM_001411086.1); c.403T>C, p.Tyr135His (NM_001321136.2); c.625T>C, p.Tyr209His (NM_001321137.1); short protein forms Y144H, Y209H, Y135H.
Identifiers: ClinVar variation 1939103 (VCV001939103.5), dbSNP rs377240256, ClinGen allele CA7675823.